The following is an entry in ClinVar:

NM_005751.5(AKAP9):c.3128G>C (p.Gly1043Ala)

Gene: AKAP9 (A-kinase anchoring protein 9; plus strand). Cytogenetic location: 7q21.2.
Variant type: single nucleotide variant.
Coding change: c.3128G>C on transcript NM_005751.5 (MANE Select); coding-DNA position 3128, G replaced by C.
Protein change: p.Gly1043Ala; replaces glycine 1043 with alanine.
Molecular consequence: missense variant.
Genome position (GRCh38, 1-based): chr7:92,003,045, G>C. VCF-style: chr7-92003045-G-C. GRCh37 (hg19) VCF-style: chr7-91632359-G-C.
Other names: c.3128G>C, p.Gly1043Ala (NM_147185.3); short protein forms G1043A.
Identifiers: ClinVar variation 1353700 (VCV001353700.6), dbSNP rs2130671150, ClinGen allele CA368125700.
Genomic context (GRCh38, chr7:92,003,045, plus strand): 5'-TTGTGACCATGACAAGCAGGGGTGCTGAAGGATCAGTTTCTAAAGTAAATAAAAGTTTTG[G>C]TGAAGAATCAAAAATAATGGTGGAAGATAAAGTTTCTTTTGAAAATATGACTGTTGGAGA-3'
Protein context (NP_005742.4, residues 1033-1053): GSVSKVNKSF[Gly1043Ala]EESKIMVEDK

ClinVar aggregate classification (germline): Uncertain significance (1 of 4 stars; one submission).

Conditions:
Long QT syndrome (LQTS). Identifiers: MedGen C0023976, MeSH D008133, MONDO:0002442. Disease mechanism: loss of function. Inheritance: Various modes of inheritance.

Submission:

Labcorp Genetics (formerly Invitae), Labcorp
Classification: Uncertain significance for Long QT syndrome. Last evaluated: 2022-07-12. Review status: criteria provided, single submitter. Criteria: Invitae Variant Classification Sherloc (09022015). Collection method: clinical testing. Allele origin: germline.
Comment: In summary, the available evidence is currently insufficient to determine the role of this variant in disease. Therefore, it has been classified as a Variant of Uncertain Significance. Algorithms developed to predict the effect of missense changes on protein structure and function output the following: SIFT: "Tolerated"; PolyPhen-2: "Benign"; Align-GVGD: "Class C0". The alanine amino acid residue is found in multiple mammalian species, which suggests that this missense change does not adversely affect protein function. ClinVar contains an entry for this variant (Variation ID: 1353700). This variant has not been reported in the literature in individuals affected with AKAP9-related conditions. This variant is not present in population databases (gnomAD no frequency). This sequence change replaces glycine, which is neutral and non-polar, with alanine, which is neutral and non-polar, at codon 1043 of the AKAP9 protein (p.Gly1043Ala).